The following is an entry in ClinVar:

NM_014271.4(IL1RAPL1):c.779-6C>G

Gene: IL1RAPL1 (interleukin 1 receptor accessory protein like 1; plus strand). Cytogenetic location: Xp21.2.
Variant type: single nucleotide variant.
Coding change: c.779-6C>G on transcript NM_014271.4 (MANE Select); 6 bases into the intron before coding-DNA position 779, C replaced by G.
Molecular consequence: intron variant.
Genome position (GRCh38, 1-based): chrX:29,917,458, C>G. VCF-style: chrX-29917458-C-G. GRCh37 (hg19) VCF-style: chrX-29935575-C-G.
Identifiers: ClinVar variation 512880 (VCV000512880.1), dbSNP rs1342789487, ClinGen allele CA658799630.
Genomic context (GRCh38, chrX:29,917,458, plus strand): 5'-TCAGTTTGCCTAAAATAAGTGTGAACAAATAGTTTTATAACACTTTTCCATCACTTCTCT[C>G]TGCAGGTGACTCTGCTAATCTAACCTGCAGAGCTTTCTTTGGGTACAGCGGAGATGTCAG-3'

ClinVar aggregate classification (germline): Likely benign (1 of 4 stars; one submission).

Submission:

GeneDx
Classification: Likely benign. Last evaluated: 2017-10-26. Review status: criteria provided, single submitter. Criteria: GeneDx Variant Classification (06012015). Collection method: clinical testing. Allele origin: germline. Affected: yes.
Comment: This variant is considered likely benign or benign based on one or more of the following criteria: it is a conservative change, it occurs at a poorly conserved position in the protein, it is predicted to be benign by multiple in silico algorithms, and/or has population frequency not consistent with disease.